The following is an entry in ClinVar:

NM_001242896.3(DEPDC5):c.3614T>G (p.Phe1205Cys)

Gene: DEPDC5 (DEP domain containing 5, GATOR1 subcomplex subunit; plus strand). Cytogenetic location: 22q12.3.
Variant type: single nucleotide variant.
Coding change: c.3614T>G on transcript NM_001242896.3 (MANE Select); coding-DNA position 3614, T replaced by G.
Protein change: p.Phe1205Cys; replaces phenylalanine 1205 with cysteine.
Molecular consequence: missense variant. On other transcripts: non-coding transcript variant (4).
Genome position (GRCh38, 1-based): chr22:31,874,323, T>G. VCF-style: chr22-31874323-T-G. GRCh37 (hg19) VCF-style: chr22-32270309-T-G.
Other names: c.3587T>G, p.Phe1196Cys (NM_001136029.4); c.3314T>G, p.Phe1105Cys (NM_001242897.2); c.3548T>G, p.Phe1183Cys (NM_001363852.2, NM_001364320.2); c.3380T>G, p.Phe1127Cys (NM_001363854.2, NM_001364319.2); c.3614T>G, p.Phe1205Cys (NM_001364318.2); c.3530T>G, p.Phe1177Cys (NM_001369901.1, NM_001369902.1); c.3521T>G, p.Phe1174Cys (NM_001369903.1, NM_014662.6); short protein forms F1205C, F1177C, F1183C, F1196C, F1105C, F1127C, F1174C.
Identifiers: ClinVar variation 1358229 (VCV001358229.8), dbSNP rs2149256525, ClinGen allele CA411277753.

ClinVar aggregate classification (germline): Uncertain significance (1 of 4 stars; one submission).

Conditions:
Familial focal epilepsy with variable foci (FPEVF). Identifiers: Orphanet 98820, MedGen C1858477, MONDO:0020310.

Submission:

Labcorp Genetics (formerly Invitae), Labcorp
Classification: Uncertain significance for Familial focal epilepsy with variable foci. Last evaluated: 2023-10-13. Review status: criteria provided, single submitter. Criteria: Invitae Variant Classification Sherloc (09022015). Collection method: clinical testing. Allele origin: germline.
Comment: This sequence change replaces phenylalanine, which is neutral and non-polar, with cysteine, which is neutral and slightly polar, at codon 1205 of the DEPDC5 protein (p.Phe1205Cys). This variant is not present in population databases (gnomAD no frequency). This variant has not been reported in the literature in individuals affected with DEPDC5-related conditions. ClinVar contains an entry for this variant (Variation ID: 1358229). Experimental studies and prediction algorithms are not available or were not evaluated, and the functional significance of this variant is currently unknown. Algorithms developed to predict the effect of sequence changes on RNA splicing suggest that this variant may disrupt the consensus splice site. In summary, the available evidence is currently insufficient to determine the role of this variant in disease. Therefore, it has been classified as a Variant of Uncertain Significance.